The following is an entry in ClinVar:

NM_006017.3(PROM1):c.1911+4T>C

Gene: PROM1 (prominin 1; minus strand). Cytogenetic location: 4p15.32.
Variant type: single nucleotide variant.
Coding change: c.1911+4T>C on transcript NM_006017.3 (MANE Select); 4 bases into the intron after coding-DNA position 1911, T replaced by C.
Molecular consequence: intron variant.
Genome position (GRCh38, 1-based): chr4:15,992,244, A>G on the plus strand (T>C on the coding strand, the complement: PROM1 is on the minus strand). VCF-style: chr4-15992244-A-G. GRCh37 (hg19) VCF-style: chr4-15993867-A-G.
Other names: c.1884+4T>C (NM_001145848.2, NM_001145852.2, NM_001145847.2 and 4 more transcripts); c.1911+4T>C (NM_001145850.2, NM_001145849.2).
Identifiers: ClinVar variation 1924728 (VCV001924728.5), dbSNP rs368288279, ClinGen allele CA2866610.

ClinVar aggregate classification (germline): Uncertain significance (1 of 4 stars; one submission).

Allele frequency attached by ClinVar (database versions not stated): TOPMed below 0.00001; ExAC 0.00001; gnomAD 0.00001; gnomAD exomes 0.00001.
gnomAD v4.1: 12 of 1,613,744 alleles (0.00074%); highest among the groups gnomAD compares: Non-Finnish European, 0.001%; no homozygotes.

Submission:

Labcorp Genetics (formerly Invitae), Labcorp
Classification: Uncertain significance. Last evaluated: 2022-03-11. Review status: criteria provided, single submitter. Criteria: Invitae Variant Classification Sherloc (09022015). Collection method: clinical testing. Allele origin: germline.
Comment: This sequence change falls in intron 16 of the PROM1 gene. It does not directly change the encoded amino acid sequence of the PROM1 protein. It affects a nucleotide within the consensus splice site. In summary, the available evidence is currently insufficient to determine the role of this variant in disease. Therefore, it has been classified as a Variant of Uncertain Significance. Variants that disrupt the consensus splice site are a relatively common cause of aberrant splicing (PMID: 17576681, 9536098). Algorithms developed to predict the effect of sequence changes on RNA splicing suggest that this variant is not likely to affect RNA splicing. This variant has not been reported in the literature in individuals affected with PROM1-related conditions. This variant is present in population databases (rs368288279, gnomAD 0.0009%).

Literature cited by the submitters: PubMed 17576681; PubMed 9536098.